The following is an entry in ClinVar:

NM_138694.4(PKHD1):c.779-7C>G

Gene: PKHD1 (PKHD1 ciliary IPT domain containing fibrocystin/polyductin; minus strand). Cytogenetic location: 6p12.2.
Variant type: single nucleotide variant.
Coding change: c.779-7C>G on transcript NM_138694.4 (MANE Select); 7 bases into the intron before coding-DNA position 779, C replaced by G.
Molecular consequence: intron variant.
Genome position (GRCh38, 1-based): chr6:52,066,084, G>C on the plus strand (C>G on the coding strand, the complement: PKHD1 is on the minus strand). VCF-style: chr6-52066084-G-C. GRCh37 (hg19) VCF-style: chr6-51930882-G-C.
Other names: c.779-7C>G (NM_170724.3, NM_138694.3).
Identifiers: ClinVar variation 1641361 (VCV001641361.10), dbSNP rs749068364, ClinGen allele CA825742727.

ClinVar aggregate classification (germline): Likely benign. Review status: criteria provided, single submitter (1 of 4 stars). 2 submissions from 2 submitters: Likely benign (1). 1 of the submissions does not count toward it. Last evaluated 2025-08-20.

Conditions:
PKHD1-related disorder. Also called: PKHD1-related condition.
Autosomal recessive polycystic kidney disease (ARPKD). Also called: AR polycystic kidney disease. Identifiers: Orphanet 731, Orphanet 8378, MedGen C0085548, MeSH D017044, MONDO:0009889.

Allele frequency attached by ClinVar (database versions not stated): TOPMed below 0.00001; gnomAD 0.00001.
gnomAD v4.1: 3 of 1,188,020 alleles (0.00025%); highest among the groups gnomAD compares: Non-Finnish European, 0.00036%; no homozygotes.

Submissions (2):

Labcorp Genetics (formerly Invitae), Labcorp
Classification: Likely benign for Autosomal recessive polycystic kidney disease. Last evaluated: 2025-08-20. Review status: criteria provided, single submitter. Criteria: Invitae Variant Classification Sherloc (09022015). Collection method: clinical testing. Allele origin: germline.

PreventionGenetics, part of Exact Sciences
Classification: Likely benign for PKHD1-related condition. Last evaluated: 2023-02-22. Review status: no assertion criteria provided. Collection method: clinical testing. Allele origin: germline. Not counted in ClinVar's aggregate classification.
Comment: This variant is classified as likely benign based on ACMG/AMP sequence variant interpretation guidelines (Richards et al. 2015 PMID: 25741868, with internal and published modifications).